The following is an entry in ClinVar:

NM_138694.4(PKHD1):c.964dup (p.Thr322fs)

Gene: PKHD1 (PKHD1 ciliary IPT domain containing fibrocystin/polyductin; minus strand). Cytogenetic location: 6p12.2.
Variant type: Duplication.
Coding change: c.964dup on transcript NM_138694.4 (MANE Select); coding-DNA position 964, one base duplicated (A; older notation c.964dupA).
Protein change: p.Thr322fs; shifts the reading frame from threonine 322.
Molecular consequence: frameshift variant.
Genome position (GRCh38, 1-based): chr6:52,064,967, T duplicated on the plus strand (A on the coding strand, the reverse complement: PKHD1 is on the minus strand). VCF-style (leftmost placement, unchanged base first): chr6-52064966-G-GT. GRCh37 (hg19) VCF-style: chr6-51929764-G-GT.
Other names: c.964dup, p.Thr322fs (NM_170724.3); short protein forms T322fs.
Identifiers: ClinVar variation 4816802 (VCV004816802.1).

ClinVar aggregate classification (germline): Likely pathogenic (1 of 4 stars; one submission).

Conditions:
Autosomal recessive polycystic kidney disease (ARPKD). Also called: AR polycystic kidney disease. Identifiers: Orphanet 731, Orphanet 8378, MedGen C0085548, MeSH D017044, MONDO:0009889.

Submission:

Natera, Inc.
Classification: Likely pathogenic for Autosomal recessive polycystic kidney disease. Last evaluated: 2026-01-26. Review status: criteria provided, single submitter. Criteria: Natera Variant Classification Schema (03/2026). Collection method: clinical testing. Allele origin: germline.
Comment: The c.964dup variant in PKHD1 is a frameshift variant predicted to shift the reading frame beginning at codon 322 and leads to a stop codon 12 codons downstream. This variant is expected to result in nonsense mediated decay, truncation, or a dysfunctional protein product. This variant is rare in the general population with a frequency below the threshold expected for the associated phenotype(s). Given the available evidence, this variant is classified as Likely Pathogenic.